The following is an entry in ClinVar:

ClinVar aggregate classification (germline): Conflicting classifications of pathogenicity. Review status: criteria provided, conflicting classifications (1 of 4 stars). 2 submissions from 2 submitters: Uncertain significance (1); Likely benign (1). Last evaluated 2024-10-25.

Allele frequency attached by ClinVar (database versions not stated): ExAC 0.00027; gnomAD exomes 0.00037; ESP Exome Variant Server 0.00038; gnomAD 0.00042; TOPMed 0.00044.

Submissions (2):

Ambry Genetics
Classification: Uncertain significance. Last evaluated: 2024-10-25. Review status: criteria provided, single submitter. Criteria: Ambry Variant Classification Scheme 2023. Collection method: clinical testing. Allele origin: germline.

CeGaT Center for Human Genetics Tuebingen
Classification: Likely benign. Last evaluated: 2023-03-01. Review status: criteria provided, single submitter. Criteria: CeGaT Center For Human Genetics Tuebingen Variant Classification Criteria Version 2. Collection method: clinical testing. Allele origin: germline. Affected: yes. Observed: 1 variant allele.
Comment: CD99L2: BP4, BS2

NM_031462.4(CD99L2):c.604G>A (p.Val202Ile)

Gene: CD99L2 (CD99 molecule like 2; minus strand). Cytogenetic location: Xq28.
Variant type: single nucleotide variant.
Coding change: c.604G>A on transcript NM_031462.4 (MANE Select); coding-DNA position 604, G replaced by A.
Protein change: p.Val202Ile; replaces valine 202 with isoleucine.
Molecular consequence: missense variant.
Genome position (GRCh38, 1-based): chrX:150,776,225, C>T on the plus strand (G>A on the coding strand, the complement: CD99L2 is on the minus strand). VCF-style: chrX-150776225-C-T. GRCh37 (hg19) VCF-style: chrX-149944698-C-T.
Other names: c.385G>A, p.Val129Ile (NM_001184808.2); c.616G>A, p.Val206Ile (NM_001242614.2); c.388G>A, p.Val130Ile (NM_134445.4); c.457G>A, p.Val153Ile (NM_134446.4); short protein forms V130I, V129I, V153I, V202I, V206I.
Identifiers: ClinVar variation 2372869 (VCV002372869.27), dbSNP rs150802524, ClinGen allele CA10539821.